The following is an entry in ClinVar:

ClinVar aggregate classification (germline): Likely benign. Review status: criteria provided, single submitter (1 of 4 stars). 2 submissions from 2 submitters: Likely benign (1). 1 of the submissions does not count toward it. Last evaluated 2024-11-26.

Conditions:
FCN3-related disorder. Also called: FCN3-related condition.

Allele frequency attached by ClinVar (database versions not stated): ESP Exome Variant Server 0.00015; TOPMed 0.00044; gnomAD exomes 0.00066; gnomAD 0.00070; 1000 Genomes Project 30x 0.00078; 1000 Genomes Project 0.00100; ExAC 0.00148.
gnomAD v4.1: 930 of 1,355,940 alleles (0.069%); highest among the groups gnomAD compares: South Asian, 0.55%; 4 homozygotes.

Submissions (2):

Blueprint Genetics
Classification: Likely benign. Last evaluated: 2024-11-26. Review status: criteria provided, single submitter. Criteria: ACMG Guidelines, 2015. Collection method: clinical testing. Allele origin: germline.

PreventionGenetics, part of Exact Sciences
Classification: Likely benign for FCN3-related condition. Last evaluated: 2024-01-20. Review status: no assertion criteria provided. Collection method: clinical testing. Allele origin: germline. Not counted in ClinVar's aggregate classification.
Comment: This variant is classified as likely benign based on ACMG/AMP sequence variant interpretation guidelines (Richards et al. 2015 PMID: 25741868, with internal and published modifications).

NM_003665.4(FCN3):c.9A>G (p.Leu3=)

Gene: FCN3 (ficolin 3; minus strand). Cytogenetic location: 1p36.11.
Variant type: single nucleotide variant.
Coding change: c.9A>G on transcript NM_003665.4 (MANE Select); coding-DNA position 9, A replaced by G.
Protein change: p.Leu3=; no amino-acid change (leucine 3 retained).
Molecular consequence: synonymous variant.
Genome position (GRCh38, 1-based): chr1:27,374,810, T>C on the plus strand (A>G on the coding strand, the complement: FCN3 is on the minus strand). VCF-style: chr1-27374810-T-C. GRCh37 (hg19) VCF-style: chr1-27701301-T-C.
Other names: c.9A>G, p.Leu3= (NM_173452.3).
Identifiers: ClinVar variation 3043522 (VCV003043522.3), dbSNP rs147142056, ClinGen allele CA714491.